The following is an entry in ClinVar:

ClinVar aggregate classification (germline): Uncertain significance. Review status: criteria provided, multiple submitters, no conflicts (2 of 4 stars). 2 submissions from 2 submitters: Uncertain significance (2). Last evaluated 2025-12-28.

Conditions:
CEP164-related disorder. Also called: CEP164-related condition.
Nephronophthisis 15 (NPHP15). Identifiers: Orphanet 3156, MedGen C3541853, MONDO:0013917, OMIM 614845.

gnomAD v4.1: 1 of 1,614,166 alleles (0.000062%); highest among the groups gnomAD compares: Middle Eastern, 0.016%; no homozygotes.

Submissions (2):

PreventionGenetics, part of Exact Sciences
Classification: Uncertain significance for CEP164-related condition. Last evaluated: 2025-12-28. Review status: criteria provided, single submitter. Criteria: ACMG Guidelines, 2015. Collection method: clinical testing. Allele origin: germline.
Comment: The CEP164 c.2431C>T variant is predicted to result in the amino acid substitution p.Leu811Phe. To our knowledge, this variant has not been reported in the literature or in a large population database (gnomAD), indicating this variant is rare. At this time, the clinical significance of this variant is uncertain due to the absence of conclusive functional and genetic evidence.

Labcorp Genetics (formerly Invitae), Labcorp
Classification: Uncertain significance for Nephronophthisis 15. Last evaluated: 2022-08-08. Review status: criteria provided, single submitter. Criteria: Invitae Variant Classification Sherloc (09022015). Collection method: clinical testing. Allele origin: germline.
Comment: In summary, the available evidence is currently insufficient to determine the role of this variant in disease. Therefore, it has been classified as a Variant of Uncertain Significance. Algorithms developed to predict the effect of missense changes on protein structure and function are either unavailable or do not agree on the potential impact of this missense change (SIFT: "Deleterious"; PolyPhen-2: "Possibly Damaging"; Align-GVGD: "Class C0"). This variant has not been reported in the literature in individuals affected with CEP164-related conditions. This variant is not present in population databases (gnomAD no frequency). This sequence change replaces leucine, which is neutral and non-polar, with phenylalanine, which is neutral and non-polar, at codon 811 of the CEP164 protein (p.Leu811Phe).

NM_014956.5(CEP164):c.2431C>T (p.Leu811Phe)

Gene: CEP164 (centrosomal protein 164; plus strand). Cytogenetic location: 11q23.3.
Variant type: single nucleotide variant.
Coding change: c.2431C>T on transcript NM_014956.5 (MANE Select); coding-DNA position 2431, C replaced by T.
Protein change: p.Leu811Phe; replaces leucine 811 with phenylalanine.
Molecular consequence: missense variant.
Genome position (GRCh38, 1-based): chr11:117,392,565, C>T. VCF-style: chr11-117392565-C-T. GRCh37 (hg19) VCF-style: chr11-117263281-C-T.
Other names: c.2440C>T, p.Leu814Phe (NM_001271933.2); c.2431C>T (NM_014956.4); short protein forms L814F, L811F.
Identifiers: ClinVar variation 1973197 (VCV001973197.6), dbSNP rs2541942181, ClinGen allele CA382725859.